The following is an entry in ClinVar:

NM_001368397.1(FRMPD4):c.1778G>A (p.Arg593Gln)

Gene: FRMPD4 (FERM and PDZ domain containing 4; plus strand). Cytogenetic location: Xp22.2.
Variant type: single nucleotide variant.
Coding change: c.1778G>A on transcript NM_001368397.1 (MANE Select); coding-DNA position 1778, G replaced by A.
Protein change: p.Arg593Gln; replaces arginine 593 with glutamine.
Molecular consequence: missense variant.
Genome position (GRCh38, 1-based): chrX:12,716,237, G>A. VCF-style: chrX-12716237-G-A. GRCh37 (hg19) VCF-style: chrX-12734356-G-A.
Other names: c.1889G>A, p.Arg630Gln (NM_001368395.3, NM_001368398.3); c.1784G>A, p.Arg595Gln (NM_001368396.3); c.1769G>A, p.Arg590Gln (NM_001368399.3); c.1658G>A, p.Arg553Gln (NM_001368400.3); c.1754G>A, p.Arg585Gln (NM_001368401.1, NM_001368402.3); c.1778G>A, p.Arg593Gln (NM_014728.3); short protein forms R553Q, R585Q, R590Q, R593Q, R595Q, R630Q.
Identifiers: ClinVar variation 1331527 (VCV001331527.4), dbSNP rs2042078311, ClinGen allele CA412309411.

ClinVar aggregate classification (germline): Uncertain significance (1 of 4 stars; one submission).

Allele frequency attached by ClinVar (database versions not stated): gnomAD exomes below 0.00001; gnomAD 0.00001.
gnomAD v4.1: 4 of 1,208,424 alleles (0.00033%); highest among the groups gnomAD compares: African/African-American, 0.0018%; no homozygotes.

Submission:

Greenwood Genetic Center Diagnostic Laboratories, Greenwood Genetic Center
Classification: Uncertain significance. Last evaluated: 2020-11-23. Review status: criteria provided, single submitter. Criteria: ACMG Guidelines, 2015. Collection method: clinical testing. Allele origin: germline. Affected: yes.
Comment: BP4, PM2